The following is an entry in ClinVar:

ClinVar aggregate classification (germline): Conflicting classifications of pathogenicity. Review status: criteria provided, conflicting classifications (1 of 4 stars). 2 submissions from 2 submitters: Uncertain significance (1); Likely benign (1). Last evaluated 2024-11-14.

Conditions:
Fanconi anemia complementation group J. Also called: BRIP1-Related Fanconi Anemia. Identifiers: Orphanet 84, MedGen C1836860, MONDO:0012187, OMIM 609054.
Familial cancer of breast. Also called: BREAST CANCER, FAMILIAL; hereditary breast carcinoma; Hereditary breast cancer. Identifiers: Orphanet 227535, MedGen C0346153, MONDO:0016419, OMIM 114480. Disease mechanism: loss of function.
Hereditary cancer-predisposing syndrome. Also called: Neoplastic Syndromes, Hereditary; Hereditary neoplastic syndrome; Tumor predisposition; Hereditary Cancer Syndrome. Identifiers: Orphanet 140162, MedGen C0027672, MeSH D009386, MONDO:0015356.

Submissions (2):

Ambry Genetics
Classification: Likely benign for Hereditary cancer-predisposing syndrome. Last evaluated: 2024-11-14. Review status: criteria provided, single submitter. Criteria: Ambry Variant Classification Scheme 2023. Collection method: clinical testing. Allele origin: germline.

Labcorp Genetics (formerly Invitae), Labcorp
Classification: Uncertain significance for Familial cancer of breast; Fanconi anemia complementation group J. Last evaluated: 2023-01-14. Review status: criteria provided, single submitter. Criteria: Invitae Variant Classification Sherloc (09022015). Collection method: clinical testing. Allele origin: germline.
Comment: In summary, the available evidence is currently insufficient to determine the role of this variant in disease. Therefore, it has been classified as a Variant of Uncertain Significance. Algorithms developed to predict the effect of sequence changes on RNA splicing suggest that this variant is not likely to affect RNA splicing. ClinVar contains an entry for this variant (Variation ID: 530321). This variant has not been reported in the literature in individuals affected with BRIP1-related conditions. This variant is not present in population databases (gnomAD no frequency). This sequence change affects codon 858 of the BRIP1 mRNA. It is a 'silent' change, meaning that it does not change the encoded amino acid sequence of the BRIP1 protein. It affects a nucleotide within the consensus splice site.

NM_032043.3(BRIP1):c.2574T>C (p.Ser858=)

Gene: BRIP1 (BRCA1 interacting DNA helicase 1; minus strand). Cytogenetic location: 17q23.2.
Variant type: single nucleotide variant.
Coding change: c.2574T>C on transcript NM_032043.3 (MANE Select); coding-DNA position 2574, T replaced by C.
Protein change: p.Ser858=; no amino-acid change (serine 858 retained).
Molecular consequence: synonymous variant.
Genome position (GRCh38, 1-based): chr17:61,693,431, A>G on the plus strand (T>C on the coding strand, the complement: BRIP1 is on the minus strand). VCF-style: chr17-61693431-A-G. GRCh37 (hg19) VCF-style: chr17-59770792-A-G.
Identifiers: ClinVar variation 530321 (VCV000530321.10), dbSNP rs1555574712, ClinGen allele CA501144547.